The following is an entry in ClinVar:

NM_006790.3(MYOT):c.610G>T (p.Asp204Tyr)

Genes: PKD2L2-DT (PKD2L2 divergent transcript; minus strand), MYOT (myotilin; plus strand). Cytogenetic location: 5q31.2.
Variant type: single nucleotide variant.
Coding change: c.610G>T on transcript NM_006790.3 (MANE Select); coding-DNA position 610, G replaced by T.
Protein change: p.Asp204Tyr; replaces aspartic acid 204 with tyrosine.
Molecular consequence: missense variant.
Genome position (GRCh38, 1-based): chr5:137,877,598, G>T. VCF-style: chr5-137877598-G-T. GRCh37 (hg19) VCF-style: chr5-137213287-G-T.
Other names: c.58G>T, p.Asp20Tyr (NM_001135940.2); c.265G>T, p.Asp89Tyr (NM_001300911.2); short protein forms D20Y, D204Y, D89Y.
Identifiers: ClinVar variation 3630475 (VCV003630475.2).
Genomic context (GRCh38, chr5:137,877,598, plus strand): 5'-AAGATGGCTCGCAGATTGCTAGGACCACAGAATGCAGCTGCTGTGTTTCAAGCTCAGGAT[G>T]ACAGTGGTGCACAAGACTCGCAGGTAAGTTAAAATGCTCTAAGTGGAGTATTTTTATTCT-3'
Protein context (NP_006781.1, residues 194-214): NAAAVFQAQD[Asp204Tyr]SGAQDSQQHN

ClinVar aggregate classification (germline): Uncertain significance (1 of 4 stars; one submission).

Conditions:
Myofibrillar myopathy 3 (MFM3). Also called: Muscular dystrophy, proximal, type 1A; Autosomal dominant spheroid body myopathy. Identifiers: Orphanet 266, Orphanet 268129, MedGen C3714934, MONDO:0012215, OMIM 609200.

gnomAD v4.1: 63 of 1,613,592 alleles (0.0039%); highest among the groups gnomAD compares: Non-Finnish European, 0.0053%; no homozygotes.

Submission:

Labcorp Genetics (formerly Invitae), Labcorp
Classification: Uncertain significance for Myofibrillar myopathy 3. Last evaluated: 2024-03-18. Review status: criteria provided, single submitter. Criteria: Invitae Variant Classification Sherloc (09022015). Collection method: clinical testing. Allele origin: germline.
Comment: This sequence change replaces aspartic acid, which is acidic and polar, with tyrosine, which is neutral and polar, at codon 204 of the MYOT protein (p.Asp204Tyr). This variant is present in population databases (rs777044655, gnomAD 0.002%). This variant has not been reported in the literature in individuals affected with MYOT-related conditions. Advanced modeling of protein sequence and biophysical properties (such as structural, functional, and spatial information, amino acid conservation, physicochemical variation, residue mobility, and thermodynamic stability) performed at Invitae indicates that this missense variant is not expected to disrupt MYOT protein function with a negative predictive value of 80%. In summary, the available evidence is currently insufficient to determine the role of this variant in disease. Therefore, it has been classified as a Variant of Uncertain Significance.